The following is an entry in ClinVar:

NM_000094.4(COL7A1):c.2048C>A (p.Thr683Lys)

Gene: COL7A1 (collagen type VII alpha 1 chain; minus strand). Cytogenetic location: 3p21.31.
Variant type: single nucleotide variant.
Coding change: c.2048C>A on transcript NM_000094.4 (MANE Select); coding-DNA position 2048, C replaced by A.
Protein change: p.Thr683Lys; replaces threonine 683 with lysine.
Molecular consequence: missense variant.
Genome position (GRCh38, 1-based): chr3:48,590,215, G>T on the plus strand (C>A on the coding strand, the complement: COL7A1 is on the minus strand). VCF-style: chr3-48590215-G-T. GRCh37 (hg19) VCF-style: chr3-48627648-G-T.
Other names: short protein forms T683K.
Identifiers: ClinVar variation 1961683 (VCV001961683.2), dbSNP rs201852525, ClinGen allele CA352725988.

ClinVar aggregate classification (germline): Uncertain significance (1 of 4 stars; one submission).

Submission:

Labcorp Genetics (formerly Invitae), Labcorp
Classification: Uncertain significance. Last evaluated: 2021-07-25. Review status: criteria provided, single submitter. Criteria: Invitae Variant Classification Sherloc (09022015). Collection method: clinical testing. Allele origin: germline.
Comment: This sequence change replaces threonine with lysine at codon 683 of the COL7A1 protein (p.Thr683Lys). The threonine residue is moderately conserved and there is a moderate physicochemical difference between threonine and lysine. This variant is not present in population databases (ExAC no frequency). This variant has not been reported in the literature in individuals affected with COL7A1-related conditions. Algorithms developed to predict the effect of missense changes on protein structure and function are either unavailable or do not agree on the potential impact of this missense change (SIFT: "Deleterious"; PolyPhen-2: "Not Available"; Align-GVGD: "Class C0"). Algorithms developed to predict the effect of sequence changes on RNA splicing suggest that this variant may create or strengthen a splice site. In summary, the available evidence is currently insufficient to determine the role of this variant in disease. Therefore, it has been classified as a Variant of Uncertain Significance.